The following is an entry in ClinVar:

NM_003072.5(SMARCA4):c.1381A>C (p.Lys461Gln)

Gene: SMARCA4 (SWI/SNF related BAF chromatin remodeling complex subunit ATPase 4; plus strand). Cytogenetic location: 19p13.2.
Variant type: single nucleotide variant.
Coding change: c.1381A>C on transcript NM_003072.5 (MANE Select); coding-DNA position 1381, A replaced by C.
Protein change: p.Lys461Gln; replaces lysine 461 with glutamine.
Molecular consequence: missense variant. On other transcripts: non-coding transcript variant (1).
Genome position (GRCh38, 1-based): chr19:10,991,285, A>C. VCF-style: chr19-10991285-A-C. GRCh37 (hg19) VCF-style: chr19-11101961-A-C.
Other names: c.1381A>C, p.Lys461Gln (NM_001128844.3, NM_001128845.2, NM_001128846.2 and 5 more transcripts); short protein forms K461Q.
Identifiers: ClinVar variation 470240 (VCV000470240.13), dbSNP rs757516325, ClinGen allele CA9203759.

ClinVar aggregate classification (germline): Uncertain significance. Review status: criteria provided, multiple submitters, no conflicts (2 of 4 stars). 2 submissions from 2 submitters: Uncertain significance (2). Last evaluated 2025-05-05.

Conditions:
Hereditary cancer-predisposing syndrome. Also called: Hereditary neoplastic syndrome; Neoplastic Syndromes, Hereditary; Tumor predisposition; Hereditary Cancer Syndrome. Identifiers: Orphanet 140162, MedGen C0027672, MeSH D009386, MONDO:0015356.
Rhabdoid tumor predisposition syndrome 2 (RTPS2). Identifiers: Orphanet 231108, Orphanet 69077, MedGen C2750074, MONDO:0013224, OMIM 613325.

Allele frequency attached by ClinVar (database versions not stated): gnomAD exomes below 0.00001; ExAC 0.00001.
gnomAD v4.1: 4 of 1,610,620 alleles (0.00025%); highest among the groups gnomAD compares: Non-Finnish European, 0.00025%; no homozygotes.

Submissions (2):

Labcorp Genetics (formerly Invitae), Labcorp
Classification: Uncertain significance for Rhabdoid tumor predisposition syndrome 2. Last evaluated: 2025-05-05. Review status: criteria provided, single submitter. Criteria: Invitae Variant Classification Sherloc (09022015). Collection method: clinical testing. Allele origin: germline.
Comment: This sequence change replaces lysine, which is basic and polar, with glutamine, which is neutral and polar, at codon 461 of the SMARCA4 protein (p.Lys461Gln). This variant is present in population databases (rs757516325, gnomAD 0.0009%). This variant has not been reported in the literature in individuals affected with SMARCA4-related conditions. ClinVar contains an entry for this variant (Variation ID: 470240). Invitae Evidence Modeling of protein sequence and biophysical properties (such as structural, functional, and spatial information, amino acid conservation, physicochemical variation, residue mobility, and thermodynamic stability) indicates that this missense variant is expected to disrupt SMARCA4 protein function with a positive predictive value of 95%. In summary, the available evidence is currently insufficient to determine the role of this variant in disease. Therefore, it has been classified as a Variant of Uncertain Significance.

Ambry Genetics
Classification: Uncertain significance for Hereditary cancer-predisposing syndrome. Last evaluated: 2023-12-14. Review status: criteria provided, single submitter. Criteria: Ambry Variant Classification Scheme 2023. Collection method: clinical testing. Allele origin: germline.
Comment: The p.K461Q variant (also known as c.1381A>C), located in coding exon 7 of the SMARCA4 gene, results from an A to C substitution at nucleotide position 1381. The lysine at codon 461 is replaced by glutamine, an amino acid with similar properties. This amino acid position is highly conserved in available vertebrate species. In addition, this alteration is predicted to be tolerated by in silico analysis. Missense and in-frame variants in SMARCA4 are known to cause neurodevelopmental disorders; however, such associations with rhabdoid tumor predisposition syndrome including small cell carcinoma of the ovary-hypercalcemic type (SCCOHT) are exceedingly rare (Kosho T et al. Am J Med Genet C Semin Med Genet. 2014 Sep;166C(3):262-75; Jelinic P et al. Nat Genet. 2014 May;46(5):424-6). Since supporting evidence is limited at this time, the clinical significance of this alteration remains unclear.